The following is an entry in ClinVar:

ClinVar aggregate classification (germline): Likely benign (1 of 4 stars; one submission).

Conditions:
Sessile serrated polyposis cancer syndrome (SSPCS). Identifiers: Orphanet 157798, MedGen C4310714, MONDO:0014919, OMIM 617108.

Submission:

Myriad Genetics, Inc.
Classification: Likely benign for Sessile serrated polyposis cancer syndrome. Last evaluated: 2026-06-26. Review status: criteria provided, single submitter. Criteria: Myriad Autosomal Dominant, Autosomal Recessive and X-Linked Classification Criteria (2023). Collection method: clinical testing. Allele origin: unknown.
Comment: This variant is considered likely benign. This variant is intronic and is not expected to impact mRNA splicing.

NM_017763.6(RNF43):c.2309-14C>T

Gene: RNF43 (ring finger protein 43; minus strand). Cytogenetic location: 17q22.
Variant type: single nucleotide variant.
Coding change: c.2309-14C>T on transcript NM_017763.6 (MANE Select); 14 bases into the intron before coding-DNA position 2309, C replaced by T.
Molecular consequence: intron variant.
Genome position (GRCh38, 1-based): chr17:58,355,000, G>A on the plus strand (C>T on the coding strand, the complement: RNF43 is on the minus strand). VCF-style: chr17-58355000-G-A. GRCh37 (hg19) VCF-style: chr17-56432361-G-A.
Other names: c.2309-14C>T (NM_001438822.1, NM_001305544.3); c.1928-14C>T (NM_001305545.2).
Identifiers: ClinVar variation 4875723 (VCV004875723.1).